The following is an entry in ClinVar:

ClinVar aggregate classification (germline): Pathogenic/Likely pathogenic. Review status: criteria provided, multiple submitters, no conflicts (2 of 4 stars). 9 submissions from 9 submitters: Pathogenic (5); Likely pathogenic (1). 3 of the submissions do not count toward it. Last evaluated 2026-08-13.

Conditions:
West syndrome. Also called: Infantile epileptic spasms syndrome. Identifiers: Orphanet 3451, Orphanet 697160, MedGen C0037769, MONDO:0018097. Disease mechanism: loss of function.
Developmental and epileptic encephalopathy. Identifiers: MedGen C5779964, MONDO:0100620.
Complex neurodevelopmental disorder. Identifiers: Orphanet 528084, MedGen C5568766, MONDO:0100038.
Seizures, benign familial infantile, 3 (BFIS3). Also called: CONVULSIONS, BENIGN FAMILIAL INFANTILE, 3; Familial neonatal seizures. Identifiers: Orphanet 140927, Orphanet 306, MedGen C1843140, MONDO:0011904, OMIM 607745.
Developmental and epileptic encephalopathy, 11 (DEE11). Also called: Early infantile epileptic encephalopathy 11. Identifiers: Orphanet 1934, MedGen C3150987, MONDO:0013388, OMIM 613721.
Seizure. Also called: Seizures. Identifiers: MedGen C0036572, HP:0001250.
Epileptic encephalopathy. Identifiers: MedGen C0543888, HP:0200134.

Submissions (10):

GeneDx
Classification: Pathogenic. Last evaluated: 2026-08-13. Review status: criteria provided, single submitter. Criteria: GeneDx Variant Classification Process June 2021. Collection method: clinical testing. Allele origin: germline.
Comment: This substitution is predicted to be within the C-terminal cytoplasmic domain.; Not observed at significant frequency in large population cohorts (gnomAD); In silico analysis supports that this missense variant has a deleterious effect on protein structure/function; This variant is associated with the following publications: (PMID: 26704558, 35131284, 23708187, 26291284, 26993267, 29056246, 28379373, 32090326, 32613771, 35431799, 36403551, 33057194, 35982159, 31558572, 29844171, 37578743)

Labcorp Genetics (formerly Invitae), Labcorp
Classification: Pathogenic for Seizures, benign familial infantile, 3; Developmental and epileptic encephalopathy, 11. Last evaluated: 2024-10-12. Review status: criteria provided, single submitter. Criteria: Invitae Variant Classification Sherloc (09022015). Collection method: clinical testing. Allele origin: germline.
Comment: This sequence change replaces arginine, which is basic and polar, with glutamine, which is neutral and polar, at codon 1882 of the SCN2A protein (p.Arg1882Gln). This variant is not present in population databases (gnomAD no frequency). This missense change has been observed in individual(s) with clinical features of SCN2A-related conditions (PMID: 23708187, 29844171). In at least one individual the variant was observed to be de novo. ClinVar contains an entry for this variant (Variation ID: 196039). Invitae Evidence Modeling of protein sequence and biophysical properties (such as structural, functional, and spatial information, amino acid conservation, physicochemical variation, residue mobility, and thermodynamic stability) indicates that this missense variant is expected to disrupt SCN2A protein function with a positive predictive value of 95%. Experimental studies have shown that this missense change affects SCN2A function (PMID: 29844171). This variant disrupts the p.Arg1882 amino acid residue in SCN2A. Other variant(s) that disrupt this residue have been determined to be pathogenic (PMID: 26645390). This suggests that this residue is clinically significant, and that variants that disrupt this residue are likely to be disease-causing. For these reasons, this variant has been classified as Pathogenic.

Cytogénomique, Hospices Civils de Lyon
Classification: Pathogenic for Seizures. Last evaluated: 2024-06-24. Review status: criteria provided, single submitter. Criteria: ACMG Guidelines, 2015. Collection method: clinical testing. Allele origin: maternal. Affected: yes. Observed: 1 variant allele, 1 heterozygote.

Neurogenetics Laboratory - MEYER, AOU Meyer
Classification: Pathogenic for Epileptic encephalopathy. Last evaluated: 2016-11-16. Review status: criteria provided, single submitter. Criteria: ACMG Guidelines, 2015. Collection method: clinical testing. Allele origin: de novo. Affected: yes. Observed: 1 heterozygote.

Eurofins Ntd Llc (ga)
Classification: Likely pathogenic. Last evaluated: 2014-07-15. Review status: criteria provided, single submitter. Criteria: EGL Classification Definitions 2015. Collection method: clinical testing. Allele origin: germline. Observed: 1 variant allele, 1 heterozygote.

Baylor Genetics
Classification: Pathogenic for Developmental and epileptic encephalopathy, 11. Review status: criteria provided, single submitter. Criteria: ACMG Guidelines, 2015. Collection method: clinical testing. Allele origin: unknown.

Neurology Department, Shenzhen Children's Hospital
Classification: Pathogenic for Early-infantile DEE. Last evaluated: 2022-02-16. Review status: no assertion criteria provided. Collection method: clinical testing. Allele origin: de novo. Affected: yes. Not counted in ClinVar's aggregate classification.

Yale Center for Mendelian Genomics, Yale University
Classification: Likely pathogenic for Seizure. Last evaluated: 2021-04-05. Review status: no assertion criteria provided. Collection method: literature only. Allele origin: de novo. Affected: yes. Observed: 1 heterozygote. Study: Yale Center for Mendelian Genomics. Not counted in ClinVar's aggregate classification.

OMIM
Classification: Pathogenic for DEVELOPMENTAL AND EPILEPTIC ENCEPHALOPATHY 11. Last evaluated: 2020-10-19. Review status: no assertion criteria provided. Collection method: literature only. Allele origin: germline. Not counted in ClinVar's aggregate classification.

Channelopathy-Associated Epilepsy Research Center
No classification provided (evidence only). Condition: Complex neurodevelopmental disorder. Review status: no classification provided. Collection method: literature only. Allele origin: not applicable. Functional consequence: Slowing of fast inactivation, Normal peak current, Increase in resurgent current, Increase in persistent current, Normal voltage dependence of activation, Moderate depolarizing shift of voltage dependence of fast inactivation. Not counted in ClinVar's aggregate classification.
ClinVar note: "not provided" was previously submitted as the classification for the variant. However, the classification appeared to be based only on an observation of functional data so it was converted to no classification on 2025-07-30.

Literature cited by the submitters: PubMed 23708187 (cited by Labcorp Genetics (formerly Invitae), Labcorp and Eurofins Ntd Llc (ga)); PubMed 29844171 (cited by Labcorp Genetics (formerly Invitae), Labcorp and OMIM); PubMed 26645390 (cited by Labcorp Genetics (formerly Invitae), Labcorp); PubMed 25326635 (cited by Baylor Genetics); PubMed 33818783 (cited by Yale Center for Mendelian Genomics, Yale University); PubMed 26291284 (cited by OMIM); PubMed 26993267 (cited by OMIM); PubMed 28379373 (cited by OMIM); PubMed 31558572 (cited by Channelopathy-Associated Epilepsy Research Center).

NM_001040142.2(SCN2A):c.5645G>A (p.Arg1882Gln)

Gene: SCN2A (sodium voltage-gated channel alpha subunit 2; plus strand). Cytogenetic location: 2q24.3.
Variant type: single nucleotide variant.
Coding change: c.5645G>A on transcript NM_001040142.2 (MANE Select); coding-DNA position 5645, G replaced by A.
Protein change: p.Arg1882Gln; replaces arginine 1882 with glutamine.
Molecular consequence: missense variant.
Genome position (GRCh38, 1-based): chr2:165,389,451, G>A. VCF-style: chr2-165389451-G-A. GRCh37 (hg19) VCF-style: chr2-166245961-G-A.
Other names: p.R1882Q:CGA>CAA; c.5645G>A, p.Arg1882Gln (NM_021007.3, NM_001040143.2, NM_001371246.1 and 1 more transcripts); c.5645G>A (NM_001040142.1); short protein forms R1882Q.
Identifiers: ClinVar variation 196039 (VCV000196039.26), dbSNP rs794727444, ClinGen allele CA202100.